The following is an entry in ClinVar:

ClinVar aggregate classification (germline): Uncertain significance (1 of 4 stars; one submission).

Conditions:
Inborn genetic diseases. Identifiers: MedGen C0950123, MeSH D030342.

gnomAD v4.1: 2 of 1,612,786 alleles (0.00012%); highest among the groups gnomAD compares: South Asian, 0.0022%; no homozygotes.

Submission:

Ambry Genetics
Classification: Uncertain significance for Inborn genetic diseases. Last evaluated: 2025-06-29. Review status: criteria provided, single submitter. Criteria: Ambry Variant Classification Scheme 2023. Collection method: clinical testing. Allele origin: germline.
Comment: The p.R342S variant (also known as c.1026G>T), located in coding exon 5 of the FANCM gene, results from a G to T substitution at nucleotide position 1026. The arginine at codon 342 is replaced by serine, an amino acid with dissimilar properties. This amino acid position is conserved. In addition, the in silico prediction for this alteration is inconclusive. Based on the available evidence, the clinical significance of this variant remains unclear.

NM_020937.4(FANCM):c.1026G>T (p.Arg342Ser)

Gene: FANCM (FA complementation group M; plus strand). Cytogenetic location: 14q21.2.
Variant type: single nucleotide variant.
Coding change: c.1026G>T on transcript NM_020937.4 (MANE Select); coding-DNA position 1026, G replaced by T.
Protein change: p.Arg342Ser; replaces arginine 342 with serine.
Molecular consequence: missense variant.
Genome position (GRCh38, 1-based): chr14:45,151,504, G>T. VCF-style: chr14-45151504-G-T. GRCh37 (hg19) VCF-style: chr14-45620707-G-T.
Other names: c.948G>T, p.Arg316Ser (NM_001308133.2); c.1026G>T, p.Arg342Ser (NM_001308134.2); short protein forms R342S, R316S.
Identifiers: ClinVar variation 4254557 (VCV004254557.1).